The following is an entry in ClinVar:

ClinVar aggregate classification (germline): Uncertain significance. Review status: criteria provided, single submitter (1 of 4 stars). 2 submissions from 2 submitters: Uncertain significance (1). 1 of the submissions does not count toward it. Last evaluated 2025-05-31.

Conditions:
Retinal dystrophy. Also called: Inherited retinal dystrophy. Identifiers: Orphanet 71862, MedGen C0854723, MeSH D058499, MONDO:0019118, HP:0000556.

gnomAD v4.1: 46 of 1,614,020 alleles (0.0029%); highest among the groups gnomAD compares: Non-Finnish European, 0.0036%; no homozygotes.

Submissions (2):

Labcorp Genetics (formerly Invitae), Labcorp
Classification: Uncertain significance. Last evaluated: 2025-05-31. Review status: criteria provided, single submitter. Criteria: Invitae Variant Classification Sherloc (09022015). Collection method: clinical testing. Allele origin: germline.
Comment: This sequence change replaces threonine, which is neutral and polar, with alanine, which is neutral and non-polar, at codon 2209 of the NBAS protein (p.Thr2209Ala). This variant is present in population databases (rs77122741, gnomAD 0.004%). This variant has not been reported in the literature in individuals affected with NBAS-related conditions. ClinVar contains an entry for this variant (Variation ID: 3249441). Invitae Evidence Modeling of protein sequence and biophysical properties (such as structural, functional, and spatial information, amino acid conservation, physicochemical variation, residue mobility, and thermodynamic stability) indicates that this missense variant is not expected to disrupt NBAS protein function with a negative predictive value of 95%. In summary, the available evidence is currently insufficient to determine the role of this variant in disease. Therefore, it has been classified as a Variant of Uncertain Significance.

Institute of Human Genetics, Univ. Regensburg, Univ. Regensburg
Classification: Uncertain significance for Retinal dystrophy. Last evaluated: 2022-01-01. Review status: no assertion criteria provided. Criteria: ACMG Guidelines, 2015. Collection method: clinical testing. Allele origin: germline. Affected: yes. Not counted in ClinVar's aggregate classification.

NM_015909.4(NBAS):c.6625A>G (p.Thr2209Ala)

Gene: NBAS (NBAS subunit of NRZ tethering complex; minus strand). Cytogenetic location: 2p24.3.
Variant type: single nucleotide variant.
Coding change: c.6625A>G on transcript NM_015909.4 (MANE Select); coding-DNA position 6625, A replaced by G.
Protein change: p.Thr2209Ala; replaces threonine 2209 with alanine.
Molecular consequence: missense variant. On other transcripts: non-coding transcript variant (1).
Genome position (GRCh38, 1-based): chr2:15,186,828, T>C on the plus strand (A>G on the coding strand, the complement: NBAS is on the minus strand). VCF-style: chr2-15186828-T-C. GRCh37 (hg19) VCF-style: chr2-15326952-T-C.
Other names: short protein forms T2209A.
Identifiers: ClinVar variation 3249441 (VCV003249441.2).
Genomic context (GRCh38, chr2:15,186,828, plus strand): 5'-TATACAAAGAGCGACACATTTTCAAAACTTCATTCCCCAATCCTTCCTTGTTCTCCATCG[T>C]ACATCTGGTTAGCATCACTGTAGCTAGTCTCACCCATGGATTATTGGTTATGCTGGTGTT-3'
Protein context (NP_056993.2, residues 2199-2219): RLATVMLTRC[Thr2209Ala]MENKEGLGNE